The following is an entry in ClinVar:

NM_033100.4(CDHR1):c.1534T>C (p.Tyr512His)

Gene: CDHR1 (cadherin related family member 1; plus strand). Cytogenetic location: 10q23.1.
Variant type: single nucleotide variant.
Coding change: c.1534T>C on transcript NM_033100.4 (MANE Select); coding-DNA position 1534, T replaced by C.
Protein change: p.Tyr512His; replaces tyrosine 512 with histidine.
Molecular consequence: missense variant.
Genome position (GRCh38, 1-based): chr10:84,211,696, T>C. VCF-style: chr10-84211696-T-C. GRCh37 (hg19) VCF-style: chr10-85971452-T-C.
Other names: c.1534T>C, p.Tyr512His (NM_001171971.3); short protein forms Y512H.
Identifiers: ClinVar variation 1003602 (VCV001003602.10), dbSNP rs1842334855, ClinGen allele CA377377282.

ClinVar aggregate classification (germline): Uncertain significance (1 of 4 stars; one submission).

Submission:

Labcorp Genetics (formerly Invitae), Labcorp
Classification: Uncertain significance. Last evaluated: 2022-02-17. Review status: criteria provided, single submitter. Criteria: Invitae Variant Classification Sherloc (09022015). Collection method: clinical testing. Allele origin: germline.
Comment: ClinVar contains an entry for this variant (Variation ID: 1003602). This sequence change replaces tyrosine, which is neutral and polar, with histidine, which is basic and polar, at codon 512 of the CDHR1 protein (p.Tyr512His). This variant is not present in population databases (gnomAD no frequency). This variant has not been reported in the literature in individuals affected with CDHR1-related conditions. Advanced modeling of protein sequence and biophysical properties (such as structural, functional, and spatial information, amino acid conservation, physicochemical variation, residue mobility, and thermodynamic stability) performed at Invitae indicates that this missense variant is not expected to disrupt CDHR1 protein function. In summary, the available evidence is currently insufficient to determine the role of this variant in disease. Therefore, it has been classified as a Variant of Uncertain Significance.